The following is an entry in ClinVar:

ClinVar aggregate classification (germline): Uncertain significance (1 of 4 stars; one submission).

Conditions:
MC3R-related disorder. Also called: MC3R-related condition.

gnomAD v4.1: 101 of 1,614,224 alleles (0.0063%); highest among the groups gnomAD compares: Middle Eastern, 0.049%; no homozygotes.

Submission:

PreventionGenetics, part of Exact Sciences
Classification: Uncertain significance for MC3R-related condition. Last evaluated: 2026-03-21. Review status: criteria provided, single submitter. Criteria: ACMG Guidelines, 2015. Collection method: clinical testing. Allele origin: germline.
Comment: The MC3R c.204C>A variant is predicted to result in the amino acid substitution p.Asn68Lys. To our knowledge, this variant has not been reported in the literature. This variant is reported in 0.0040% of alleles in individuals of African descent in gnomAD. At this time, the clinical significance of this variant is uncertain due to the absence of conclusive functional and genetic evidence.

NM_019888.3(MC3R):c.204C>A (p.Asn68Lys)

Gene: MC3R (melanocortin 3 receptor; plus strand). Cytogenetic location: 20q13.2.
Variant type: single nucleotide variant.
Coding change: c.204C>A on transcript NM_019888.3 (MANE Select); coding-DNA position 204, C replaced by A.
Protein change: p.Asn68Lys; replaces asparagine 68 with lysine.
Molecular consequence: missense variant.
Genome position (GRCh38, 1-based): chr20:56,249,047, C>A. VCF-style: chr20-56249047-C-A. GRCh37 (hg19) VCF-style: chr20-54824103-C-A.
Other names: short protein forms N68K.
Identifiers: ClinVar variation 3352959 (VCV003352959.2).